The following is an entry in ClinVar:

ClinVar aggregate classification (germline): Likely benign (1 of 4 stars; one submission).

Conditions:
Hypertrophic cardiomyopathy. Also called: HYPERTROPHIC MYOCARDIOPATHY. Identifiers: Orphanet 217569, MedGen C0007194, MeSH D002312, MONDO:0005045, HP:0001639.

gnomAD v4.1: 1 of 1,613,680 alleles (0.000062%); highest among the groups gnomAD compares: South Asian, 0.0011%; no homozygotes.

Submission:

All of Us Research Program, National Institutes of Health
Classification: Likely benign for Hypertrophic cardiomyopathy. Last evaluated: 2023-08-15. Review status: criteria provided, single submitter. Criteria: ACMG Guidelines, 2015. Collection method: clinical testing. Allele origin: germline. Inheritance: Autosomal dominant inheritance. Observed: 1 variant allele, 1 heterozygote.
Comment: This study involves interpretation of variants in research participants for the purpose of population health screening. Participant phenotype was not available at the time of variant classification. Additional details can be found in publication PMID: 35346344, PMCID: PMC8962531

NM_000432.4(MYL2):c.36C>A (p.Gly12=)

Genes: MYL2 (myosin light chain 2; minus strand), LOC114827850 (VISTA enhancer hs2149; plus strand). Cytogenetic location: 12q24.11.
Variant type: single nucleotide variant.
Coding change: c.36C>A on transcript NM_000432.4 (MANE Select); coding-DNA position 36, C replaced by A.
Protein change: p.Gly12=; no amino-acid change (glycine 12 retained).
Molecular consequence: synonymous variant. On other transcripts: 5 prime UTR variant (1).
Genome position (GRCh38, 1-based): chr12:110,919,161, G>T on the plus strand (C>A on the coding strand, the complement: MYL2 is on the minus strand). VCF-style: chr12-110919161-G-T. GRCh37 (hg19) VCF-style: chr12-111356965-G-T.
Other names: c.36C>A, p.Gly12= (NM_001406745.1, NM_001406746.1); c.-22C>A (NM_001406916.1).
Identifiers: ClinVar variation 3072677 (VCV003072677.1), dbSNP rs139794370, ClinGen allele CA481751354.